The following is an entry in ClinVar:

ClinVar aggregate classification (germline): Likely pathogenic (1 of 4 stars; one submission).

Conditions:
Autosomal recessive limb-girdle muscular dystrophy type 2E (LGMDR4). Also called: MUSCULAR DYSTROPHY, LIMB-GIRDLE, AUTOSOMAL RECESSIVE 4. Identifiers: Orphanet 119, MedGen C1858593, MONDO:0011423, OMIM 604286. Disease mechanism: Affects gamma-sarcoglycan and also disrupts the integrity of the entire sarcoglycan complex..

Submission:

Natera, Inc.
Classification: Likely pathogenic for Limb-girdle muscular dystrophy type 2E. Last evaluated: 2025-11-26. Review status: criteria provided, single submitter. Criteria: Natera Variant Classification Schema (03/2026). Collection method: clinical testing. Allele origin: germline.
Comment: The c.622_643delATTACCAGCAATGCTACCAGTGinsCAAAGCTATATATTTAAACTTTT variant in SGCB is a frameshift variant predicted to shift the reading frame beginning at codon 208 and leads to a stop codon 14 codons downstream. This variant is expected to result in nonsense mediated decay, truncation, or a dysfunctional protein product. This variant is rare in the general population with a frequency below the threshold expected for the associated phenotype(s). Given the available evidence, this variant is classified as Likely Pathogenic.

NM_000232.5(SGCB):c.622_643delinsCAAAGCTATATATTTAAACTTTT (p.Ile208fs)

Gene: SGCB (sarcoglycan beta; minus strand). Cytogenetic location: 4q12.
Variant type: Indel.
Coding change: c.622_643delinsCAAAGCTATATATTTAAACTTTT on transcript NM_000232.5 (MANE Select); coding-DNA positions 622 to 643, ATTACCAGCAATGCTACCAGTG replaced by CAAAGCTATATATTTAAACTTTT.
Protein change: p.Ile208fs; shifts the reading frame from isoleucine 208.
Molecular consequence: frameshift variant.
Genome position (GRCh38, 1-based): chr4:52,028,078-52,028,099, CACTGGTAGCATTGCTGGTAAT replaced by AAAAGTTTAAATATATAGCTTTG on the plus strand (ATTACCAGCAATGCTACCAGTG replaced by CAAAGCTATATATTTAAACTTTT on the coding strand, the reverse complement: SGCB is on the minus strand). GRCh37 (hg19): chr4:52,894,244-52,894,265.
Other names: c.412_433delinsCAAAGCTATATATTTAAACTTTT, p.Ile138fs (NM_001440519.1); c.325_346delinsCAAAGCTATATATTTAAACTTTT, p.Ile109fs (NM_001440520.1); c.622_643delATTACCAGCAATGCTACCAGTGinsCAAAGCTATATATTTAAACTTTT (NM_000232.4); short protein forms I109fs, I138fs, I208fs.
Identifiers: ClinVar variation 4817948 (VCV004817948.1).